The following is an entry in ClinVar:

ClinVar aggregate classification (germline): Uncertain significance (1 of 4 stars; one submission).

Submission:

GeneDx
Classification: Uncertain significance. Last evaluated: 2025-04-07. Review status: criteria provided, single submitter. Criteria: GeneDx Variant Classification Process June 2021. Collection method: clinical testing. Allele origin: germline. Affected: yes.
Comment: Not observed at significant frequency in large population cohorts (gnomAD); In silico analysis supports that this missense variant has a deleterious effect on protein structure/function; Has not been previously published as pathogenic or benign to our knowledge

NM_018896.5(CACNA1G):c.1186A>G (p.Thr396Ala)

Gene: CACNA1G (calcium voltage-gated channel subunit alpha1 G; plus strand). Cytogenetic location: 17q21.33.
Variant type: single nucleotide variant.
Coding change: c.1186A>G on transcript NM_018896.5 (MANE Select); coding-DNA position 1186, A replaced by G.
Protein change: p.Thr396Ala; replaces threonine 396 with alanine.
Molecular consequence: missense variant. On other transcripts: non-coding transcript variant (5).
Genome position (GRCh38, 1-based): chr17:50,575,588, A>G. VCF-style: chr17-50575588-A-G. GRCh37 (hg19) VCF-style: chr17-48652949-A-G.
Other names: c.1186A>G, p.Thr396Ala (NM_001256324.2, NM_001256325.2, NM_001256326.2 and 24 more transcripts); short protein forms T396A.
Identifiers: ClinVar variation 4281726 (VCV004281726.1).